The following is an entry in ClinVar:

NM_000268.4(NF2):c.718G>T (p.Gly240Trp)

Gene: NF2 (NF2, moesin-ezrin-radixin like (MERLIN) tumor suppressor; plus strand). Cytogenetic location: 22q12.2.
Variant type: single nucleotide variant.
Coding change: c.718G>T on transcript NM_000268.4 (MANE Select); coding-DNA position 718, G replaced by T.
Protein change: p.Gly240Trp; replaces glycine 240 with tryptophan.
Molecular consequence: missense variant. On other transcripts: non-coding transcript variant (1), intron variant (4).
Genome position (GRCh38, 1-based): chr22:29,661,247, G>T. VCF-style: chr22-29661247-G-T. GRCh37 (hg19) VCF-style: chr22-30057236-G-T.
Other names: c.604G>T, p.Gly202Trp (NM_001407053.1, NM_001407056.1); c.595G>T, p.Gly199Trp (NM_001407054.1, NM_001407058.1, NM_181829.3); c.592G>T, p.Gly198Trp (NM_001407055.1, NM_181828.3); c.718G>T, p.Gly240Trp (NM_001407060.1, NM_001407066.1, NM_016418.5 and 2 more transcripts); c.469G>T, p.Gly157Trp (NM_001407063.1, NM_001407064.1, NM_181830.3 and 1 more transcripts); c.184G>T, p.Gly62Trp (NM_001407065.1); c.487G>T, p.Gly163Trp (NM_001407067.1); c.675+2983G>T (NM_001407059.1, NM_001407057.1); and 2 more; short protein forms G157W, G163W, G198W, G199W, G202W, G240W, G62W.
Identifiers: ClinVar variation 3231107 (VCV003231107.1), dbSNP rs2066468086, ClinGen allele CA411143818.

ClinVar aggregate classification (germline): Uncertain significance (1 of 4 stars; one submission).

Conditions:
Hereditary cancer-predisposing syndrome. Also called: Neoplastic Syndromes, Hereditary; Tumor predisposition; Hereditary neoplastic syndrome; Hereditary Cancer Syndrome. Identifiers: Orphanet 140162, MedGen C0027672, MeSH D009386, MONDO:0015356.

Allele frequency attached by ClinVar (database versions not stated): gnomAD 0.00001.
gnomAD v4.1: 1 of 1,614,106 alleles (0.000062%); highest among the groups gnomAD compares: African/African-American, 0.0013%; no homozygotes.

Submission:

Ambry Genetics
Classification: Uncertain significance for Hereditary cancer-predisposing syndrome. Last evaluated: 2024-02-22. Review status: criteria provided, single submitter. Criteria: Ambry Variant Classification Scheme 2023. Collection method: clinical testing. Allele origin: germline.
Comment: The p.G240W variant (also known as c.718G>T), located in coding exon 8 of the NF2 gene, results from a G to T substitution at nucleotide position 718. The glycine at codon 240 is replaced by tryptophan, an amino acid with highly dissimilar properties. This amino acid position is highly conserved in available vertebrate species. In addition, this alteration is predicted to be deleterious by in silico analysis. Based on the available evidence, the clinical significance of this alteration remains unclear.